The following is an entry in ClinVar:

NM_001297.5(CNGB1):c.1209G>T (p.Gln403His)

Gene: CNGB1 (cyclic nucleotide gated channel subunit beta 1; minus strand). Cytogenetic location: 16q21.
Variant type: single nucleotide variant.
Coding change: c.1209G>T on transcript NM_001297.5 (MANE Select); coding-DNA position 1209, G replaced by T.
Protein change: p.Gln403His; replaces glutamine 403 with histidine.
Molecular consequence: missense variant.
Genome position (GRCh38, 1-based): chr16:57,940,234, C>A on the plus strand (G>T on the coding strand, the complement: CNGB1 is on the minus strand). VCF-style: chr16-57940234-C-A. GRCh37 (hg19) VCF-style: chr16-57974138-C-A.
Other names: c.1191G>T, p.Gln397His (NM_001286130.2); short protein forms Q403H, Q397H.
Identifiers: ClinVar variation 2005584 (VCV002005584.4), dbSNP rs1264720085, ClinGen allele CA396073408.

ClinVar aggregate classification (germline): Uncertain significance (1 of 4 stars; one submission).

Allele frequency attached by ClinVar (database versions not stated): TOPMed 0.00001.
gnomAD v4.1: 2 of 1,564,444 alleles (0.00013%); highest among the groups gnomAD compares: African/African-American, 0.0027%; no homozygotes.

Submission:

Labcorp Genetics (formerly Invitae), Labcorp
Classification: Uncertain significance. Last evaluated: 2022-11-01. Review status: criteria provided, single submitter. Criteria: Invitae Variant Classification Sherloc (09022015). Collection method: clinical testing. Allele origin: germline.
Comment: This sequence change replaces glutamine, which is neutral and polar, with histidine, which is basic and polar, at codon 403 of the CNGB1 protein (p.Gln403His). This variant also falls at the last nucleotide of exon 15, which is part of the consensus splice site for this exon. The frequency data for this variant in the population databases is considered unreliable, as metrics indicate poor data quality at this position in the gnomAD database. In summary, the available evidence is currently insufficient to determine the role of this variant in disease. Therefore, it has been classified as a Variant of Uncertain Significance. Variants that disrupt the consensus splice site are a relatively common cause of aberrant splicing (PMID: 17576681, 9536098). Algorithms developed to predict the effect of sequence changes on RNA splicing suggest that this variant may disrupt the consensus splice site. Algorithms developed to predict the effect of missense changes on protein structure and function (SIFT, PolyPhen-2, Align-GVGD) all suggest that this variant is likely to be tolerated. This missense change has been observed in individual(s) with retinitis pigmentosa (Invitae).

Literature cited by the submitters: PubMed 17576681; PubMed 9536098.